The following is an entry in ClinVar:

NM_017637.6(BNC2):c.663C>T (p.Ile221=)

Gene: BNC2 (basonuclin zinc finger protein 2; minus strand). Cytogenetic location: 9p22.3.
Variant type: single nucleotide variant.
Coding change: c.663C>T on transcript NM_017637.6 (MANE Select); coding-DNA position 663, C replaced by T.
Protein change: p.Ile221=; no amino-acid change (isoleucine 221 retained).
Molecular consequence: synonymous variant.
Genome position (GRCh38, 1-based): chr9:16,552,536, G>A on the plus strand (C>T on the coding strand, the complement: BNC2 is on the minus strand). VCF-style: chr9-16552536-G-A. GRCh37 (hg19) VCF-style: chr9-16552534-G-A.
Other names: c.537C>T, p.Ile179= (NM_001317939.2); c.378C>T, p.Ile126= (NM_001317940.2).
Identifiers: ClinVar variation 2767660 (VCV002767660.4), dbSNP rs149390976, ClinGen allele CA4996214.

ClinVar aggregate classification (germline): Benign/Likely benign. Review status: criteria provided, multiple submitters, no conflicts (2 of 4 stars). 2 submissions from 2 submitters: Benign (1); Likely benign (1). Last evaluated 2025-11-12.

Conditions:
BNC2-related disorder. Also called: BNC2-related condition.

Allele frequency attached by ClinVar (database versions not stated): gnomAD exomes 0.00010; ExAC 0.00035; gnomAD 0.00083; TOPMed 0.00093; 1000 Genomes Project 30x 0.00094; 1000 Genomes Project 0.00100; ESP Exome Variant Server 0.00100.
gnomAD v4.1: 284 of 1,614,092 alleles (0.018%); highest among the groups gnomAD compares: African/African-American, 0.32%; 2 homozygotes.

Submissions (2):

Labcorp Genetics (formerly Invitae), Labcorp
Classification: Benign. Last evaluated: 2025-11-12. Review status: criteria provided, single submitter. Criteria: Invitae Variant Classification Sherloc (09022015). Collection method: clinical testing. Allele origin: germline.

PreventionGenetics, part of Exact Sciences
Classification: Likely benign for BNC2-related condition. Last evaluated: 2025-05-29. Review status: criteria provided, single submitter. Criteria: ACMG Guidelines, 2015. Collection method: clinical testing. Allele origin: germline.
Comment: This variant is classified as likely benign based on ACMG/AMP sequence variant interpretation guidelines (Richards et al. 2015 PMID: 25741868, with internal and published modifications).